The following is an entry in ClinVar:

NC_000006.11:g.(?_32006191)_(32007983_32008182)del

Gene: CYP21A2 (cytochrome P450 family 21 subfamily A member 2; plus strand). Cytogenetic location: 6p21.33.
Variant type: Deletion.
Identifiers: ClinVar variation 3375282 (VCV003375282.1).

ClinVar aggregate classification (germline): Pathogenic (1 of 4 stars; one submission).

Conditions:
Congenital adrenal hyperplasia. Identifiers: Orphanet 418, MedGen C0001627, MONDO:0018479, HP:0008258.

Submission:

Women's Health and Genetics/Laboratory Corporation of America, LabCorp
Classification: Pathogenic for Congenital adrenal hyperplasia. Last evaluated: 2024-09-23. Review status: criteria provided, single submitter. Criteria: LabCorp Variant Classification Summary - May 2015. Collection method: clinical testing. Allele origin: germline.
Comment: Variant summary: The variant involves the deletion of exons 1-7 in the CYP21A2 gene. A presumed nomenclature of c.(?_9)_(939+1_940-1)del has been designated for the purposes of this classification. The exact breakpoint at the 5' end of this variant is unknown, therefore this deletion may extend upstream of the annotated region of this gene. Although the exact breakpoints of this deletion are not known, it is predicted to remove the initiation codon and result in an absence of protein or a truncation of the encoded protein due to translation initiation at a downstream site. The variant was absent in 21694 control chromosomes. c.(?_9)_(939+1_940-1)del has been reported in the literature in multiple individuals affected with Congenital Adrenal Hyperplasia (example, Tolba_2022). These data indicate that the variant is very likely to be associated with disease. The following publication has been ascertained in the context of this evaluation (PMID: 35309130). ClinVar contains an entry for a similar copy number variant (Variation ID: 1297041). Based on the evidence outlined above, the variant was classified as pathogenic.

Literature cited by the submitters: PubMed 35309130.